The following is an entry in ClinVar:

NM_001323289.2(CDKL5):c.2217dup (p.Pro740fs)

Gene: CDKL5 (cyclin dependent kinase like 5; plus strand). Cytogenetic location: Xp22.13.
Variant type: Duplication.
Coding change: c.2217dup on transcript NM_001323289.2 (MANE Select); coding-DNA position 2217, one base duplicated (A; older notation c.2217dupA).
Protein change: p.Pro740fs; shifts the reading frame from proline 740.
Molecular consequence: frameshift variant.
Genome position (GRCh38, 1-based): chrX:18,613,216, A duplicated. VCF-style (leftmost placement, unchanged base first): chrX-18613215-T-TA. GRCh37 (hg19) VCF-style: chrX-18631335-T-TA.
Other names: NM_003159.3:c.2217dup; c.2217dup, p.Pro740fs (NM_001037343.2, NM_003159.3); short protein forms P740fs.
Identifiers: ClinVar variation 3602060 (VCV003602060.1).
Genomic context (GRCh38, chrX:18,613,215, plus strand): 5'-CATCTCCACGTCCAGACAATTCTTTCCATGAAAATAATGTGTCAACTAGAGTTTCTTCTC[T>TA]ACCATCAGAGAGCAGTTCTGGAACCAACCACTCAAAAAGACAACCAGCATTCGATCCATG-3'

ClinVar aggregate classification (germline): Likely pathogenic (1 of 4 stars; one submission).

Conditions:
CDKL5 disorder. Identifiers: MedGen CN296942, MONDO:0100039.

Submission:

Centre for Population Genomics, CPG
Classification: Likely pathogenic for CDKL5 disorder. Last evaluated: 2025-01-13. Review status: criteria provided, single submitter. Criteria: McKnight et al. (Hum Mutat. 2022). Collection method: curation. Allele origin: germline. Inheritance: X-linked inheritance.
Comment: Based on the classification scheme defined by the ClinGen Rett/Angelman-like Expert Panel for Rett/AS-like Disorders Specifications to the ACMG/AMP Variant Interpretation Guidelines VCEP 3.0, this variant is classified as likely pathogenic. At least the following criteria are met: Predicted to result in loss of function, and LOF is a known mechanism of disease (PVS1).This variant is absent from gnomAD (PM2_Supporting).